The following is an entry in ClinVar:

ClinVar aggregate classification (germline): Conflicting classifications of pathogenicity. Review status: criteria provided, conflicting classifications (1 of 4 stars). 2 submissions from 2 submitters: Uncertain significance (1); Likely benign (1). Last evaluated 2024-05-08.

Conditions:
Koolen-de Vries syndrome (KDVS). Identifiers: Orphanet 96169, MedGen C1864871, MONDO:0012496, OMIM 610443.

Allele frequency attached by ClinVar (database versions not stated): gnomAD 0.00001; TOPMed 0.00001; gnomAD exomes 0.00002.
gnomAD v4.1: 33 of 1,543,530 alleles (0.0021%); highest among the groups gnomAD compares: Non-Finnish European, 0.0029%; no homozygotes.

Submissions (2):

Labcorp Genetics (formerly Invitae), Labcorp
Classification: Uncertain significance for Koolen-de Vries syndrome. Last evaluated: 2024-05-08. Review status: criteria provided, single submitter. Criteria: Invitae Variant Classification Sherloc (09022015). Collection method: clinical testing. Allele origin: germline.
Comment: This sequence change replaces glycine, which is neutral and non-polar, with serine, which is neutral and polar, at codon 960 of the KANSL1 protein (p.Gly960Ser). This variant is not present in population databases (gnomAD no frequency). This variant has not been reported in the literature in individuals affected with KANSL1-related conditions. ClinVar contains an entry for this variant (Variation ID: 517862). Advanced modeling of protein sequence and biophysical properties (such as structural, functional, and spatial information, amino acid conservation, physicochemical variation, residue mobility, and thermodynamic stability) performed at Invitae indicates that this missense variant is not expected to disrupt KANSL1 protein function with a negative predictive value of 80%. In summary, the available evidence is currently insufficient to determine the role of this variant in disease. Therefore, it has been classified as a Variant of Uncertain Significance.

GeneDx
Classification: Likely benign. Last evaluated: 2017-05-18. Review status: criteria provided, single submitter. Criteria: GeneDx Variant Classification (06012015). Collection method: clinical testing. Allele origin: germline. Affected: yes.
Comment: This variant is considered likely benign or benign based on one or more of the following criteria: it is a conservative change, it occurs at a poorly conserved position in the protein, it is predicted to be benign by multiple in silico algorithms, and/or has population frequency not consistent with disease.

NM_015443.4(KANSL1):c.2878G>A (p.Gly960Ser)

Gene: KANSL1 (KAT8 regulatory NSL complex subunit 1). Cytogenetic location: 17q21.31.
Variant type: single nucleotide variant.
Coding change: c.2878G>A on transcript NM_015443.4 (MANE Select); coding-DNA position 2878, G replaced by A.
Protein change: p.Gly960Ser; replaces glycine 960 with serine.
Molecular consequence: missense variant.
Genome position (GRCh38, 1-based): chr17:46,032,259, C>T on the plus strand (G>A on the coding strand, the complement: KANSL1 is on the minus strand). VCF-style: chr17-46032259-C-T. GRCh37 (hg19) VCF-style: chr17-44109625-C-T.
Other names: c.2875G>A, p.Gly959Ser (NM_001193465.2); c.2878G>A, p.Gly960Ser (NM_001193466.2, NM_001379198.1); short protein forms G960S, G959S.
Identifiers: ClinVar variation 517862 (VCV000517862.9), dbSNP rs1315792143, ClinGen allele CA399987288.